The following is an entry in ClinVar:

ClinVar aggregate classification (germline): Likely pathogenic. Review status: criteria provided, multiple submitters, no conflicts (2 of 4 stars). 2 submissions from 2 submitters: Likely pathogenic (2). Last evaluated 2024-12-03.

Conditions:
Cystinuria (CSNU). Also called: CYSTINURIA, TYPE I; CYSTINURIA, TYPE II; CYSTINURIA, TYPE III; Cystinuria, non-type I. Identifiers: Orphanet 214, MedGen C0010691, MONDO:0009067, OMIM 220100, HP:0003131.
SLC3A1-related disorder. Also called: SLC3A1-related condition.

gnomAD v4.1: 5 of 1,614,070 alleles (0.00031%); highest among the groups gnomAD compares: South Asian, 0.0011%; no homozygotes.

Submissions (2):

PreventionGenetics, part of Exact Sciences
Classification: Likely pathogenic for SLC3A1-related condition. Last evaluated: 2024-12-03. Review status: criteria provided, single submitter. Criteria: ACMG Guidelines, 2015. Collection method: clinical testing. Allele origin: germline.
Comment: The SLC3A1 c.1617+5G>A variant is predicted to interfere with splicing. This variant has been reported in an individual with cystinuria (Gaildrat et al. 2017. PubMed ID: 28717662). A minigene splicing assay indicates this variant results in aberrant splicing with the major product resulting in exon 9 skipping (Gaildrat et al. 2017. PubMed ID: 28717662). This variant has not been reported in a large population database (gnomAD), indicating this variant is rare. This variant is interpreted as likely pathogenic.

Fulgent Genetics
Classification: Likely pathogenic for Cystinuria. Last evaluated: 2024-04-17. Review status: criteria provided, single submitter. Criteria: ACMG Guidelines, 2015. Collection method: clinical testing. Allele origin: germline.

NM_000341.4(SLC3A1):c.1617+5G>A

Gene: SLC3A1 (solute carrier family 3 member 1; plus strand). Cytogenetic location: 2p21.
Variant type: single nucleotide variant.
Coding change: c.1617+5G>A on transcript NM_000341.4 (MANE Select); 5 bases into the intron after coding-DNA position 1617, G replaced by A.
Molecular consequence: intron variant.
Genome position (GRCh38, 1-based): chr2:44,313,956, G>A. VCF-style: chr2-44313956-G-A. GRCh37 (hg19) VCF-style: chr2-44541095-G-A.
Other names: c.1617+5G>A (NM_000341.3).
Identifiers: ClinVar variation 3586683 (VCV003586683.2).
Genomic context (GRCh38, chr2:44,313,956, plus strand): 5'-AAGCTAGTAACACCTGGTTACCTACCAATTCAGATTACCACACTGTGAATGTTGATGTAA[G>A]TATCAGTGAAAATTTTATGTTGATTCTAGAAACAAAGAAATGGGTTTCTACTGAAAGTAC-3'